The following is an entry in ClinVar:

NM_001367823.1(ARHGEF18):c.3542G>A (p.Ser1181Asn)

Gene: ARHGEF18 (Rho/Rac guanine nucleotide exchange factor 18; plus strand). Cytogenetic location: 19p13.2.
Variant type: single nucleotide variant.
Coding change: c.3542G>A on transcript NM_001367823.1 (MANE Select); coding-DNA position 3542, G replaced by A.
Protein change: p.Ser1181Asn; replaces serine 1181 with asparagine.
Molecular consequence: missense variant.
Genome position (GRCh38, 1-based): chr19:7,468,886, G>A. VCF-style: chr19-7468886-G-A. GRCh37 (hg19) VCF-style: chr19-7533772-G-A.
Other names: c.2816G>A, p.Ser939Asn (NM_001130955.2); c.2504G>A, p.Ser835Asn (NM_001367824.1, NM_015318.4); short protein forms S1181N, S835N, S939N.
Identifiers: ClinVar variation 955206 (VCV000955206.9), dbSNP rs1976832534, ClinGen allele CA403092263.
Genomic context (GRCh38, chr19:7,468,886, plus strand): 5'-CCCAGCCCCCAAGCCACCCTCCCAGCTTCAACGGGGAAGGGCTGGAGGGCCCTCGTGTGA[G>A]CATGCTGCCATCCGGCGTGGGGCCAGAGTACGCAGAGCGCCCCGAGGTGGCTCGCCGGGA-3'
Protein context (NP_001354752.1, residues 1171-1191): NGEGLEGPRV[Ser1181Asn]MLPSGVGPEY

ClinVar aggregate classification (germline): Uncertain significance (1 of 4 stars; one submission).

Submission:

Labcorp Genetics (formerly Invitae), Labcorp
Classification: Uncertain significance. Last evaluated: 2022-11-08. Review status: criteria provided, single submitter. Criteria: Invitae Variant Classification Sherloc (09022015). Collection method: clinical testing. Allele origin: germline.
Comment: In summary, the available evidence is currently insufficient to determine the role of this variant in disease. Therefore, it has been classified as a Variant of Uncertain Significance. Algorithms developed to predict the effect of missense changes on protein structure and function output the following: SIFT: "Deleterious"; PolyPhen-2: "Benign"; Align-GVGD: "Class C0". The asparagine amino acid residue is found in multiple mammalian species, which suggests that this missense change does not adversely affect protein function. ClinVar contains an entry for this variant (Variation ID: 955206). This variant has not been reported in the literature in individuals affected with ARHGEF18-related conditions. This variant is not present in population databases (gnomAD no frequency). This sequence change replaces serine, which is neutral and polar, with asparagine, which is neutral and polar, at codon 993 of the ARHGEF18 protein (p.Ser993Asn).